The following is an entry in ClinVar:

NM_020184.4(CNNM4):c.1589G>A (p.Arg530His)

Gene: CNNM4 (cyclin and CBS domain divalent metal cation transport mediator 4; plus strand). Cytogenetic location: 2q11.2.
Variant type: single nucleotide variant.
Coding change: c.1589G>A on transcript NM_020184.4 (MANE Select); coding-DNA position 1589, G replaced by A.
Protein change: p.Arg530His; replaces arginine 530 with histidine.
Molecular consequence: missense variant.
Genome position (GRCh38, 1-based): chr2:96,797,555, G>A. VCF-style: chr2-96797555-G-A. GRCh37 (hg19) VCF-style: chr2-97463292-G-A.
Other names: short protein forms R530H.
Identifiers: ClinVar variation 1052466 (VCV001052466.9), dbSNP rs768361992, ClinGen allele CA1783409.
Genomic context (GRCh38, chr2:96,797,555, plus strand): 5'-ACGCTCTTCTTCCGGCAGCTGACAACCGAAGCCGGAAGCGGGTGTCTGAGAAGAACAAGC[G>A]TGACTTCTCTGCCTTCAAGGATGCGGACAATGAGCTCAAAGTGAAAATCTCCCCGCAGCT-3'
Protein context (NP_064569.3, residues 520-540): SRKRVSEKNK[Arg530His]DFSAFKDADN

ClinVar aggregate classification (germline): Uncertain significance (1 of 4 stars; one submission).

Allele frequency attached by ClinVar (database versions not stated): TOPMed below 0.00001; gnomAD 0.00001; gnomAD exomes 0.00001.
gnomAD v4.1: 13 of 1,614,084 alleles (0.00081%); highest among the groups gnomAD compares: East Asian, 0.0022%; no homozygotes.

Submission:

Labcorp Genetics (formerly Invitae), Labcorp
Classification: Uncertain significance. Last evaluated: 2020-09-03. Review status: criteria provided, single submitter. Criteria: Invitae Variant Classification Sherloc (09022015). Collection method: clinical testing. Allele origin: germline.
Comment: This variant is present in population databases (rs768361992, ExAC 0.006%). This variant has not been reported in the literature in individuals with CNNM4-related conditions. In summary, the available evidence is currently insufficient to determine the role of this variant in disease. Therefore, it has been classified as a Variant of Uncertain Significance. Algorithms developed to predict the effect of missense changes on protein structure and function (SIFT, PolyPhen-2, Align-GVGD) all suggest that this variant is likely to be tolerated, but these predictions have not been confirmed by published functional studies and their clinical significance is uncertain. This sequence change replaces arginine with histidine at codon 530 of the CNNM4 protein (p.Arg530His). The arginine residue is moderately conserved and there is a small physicochemical difference between arginine and histidine.